The following is an entry in ClinVar:

ClinVar aggregate classification (germline): Uncertain significance. Review status: criteria provided, single submitter (1 of 4 stars). 2 submissions from 2 submitters: Uncertain significance (1). 1 of the submissions does not count toward it. Last evaluated 2025-06-25.

Conditions:
Dyskeratosis congenita. Identifiers: Orphanet 1775, MedGen C0265965, MONDO:0015780.
Dyskeratosis congenita, autosomal dominant 2. Identifiers: MedGen C3151443, MONDO:0013521, OMIM 613989.

Allele frequency attached by ClinVar (database versions not stated): TOPMed 0.00001.
gnomAD v4.1: 4 of 1,568,038 alleles (0.00026%); highest among the groups gnomAD compares: African/African-American, 0.0013%; no homozygotes.

Submissions (2):

Ambry Genetics
Classification: Uncertain significance for Dyskeratosis congenita. Last evaluated: 2025-06-25. Review status: criteria provided, single submitter. Criteria: Ambry Variant Classification Scheme 2023. Collection method: clinical testing. Allele origin: germline.
Comment: The p.G406R variant (also known as c.1216G>A), located in coding exon 2 of the TERT gene, results from a G to A substitution at nucleotide position 1216. The glycine at codon 406 is replaced by arginine, an amino acid with dissimilar properties. This amino acid position is poorly conserved in available vertebrate species. In addition, this alteration is predicted to be tolerated by in silico analysis. Based on the available evidence, the clinical significance of this variant remains unclear.

UOSD Laboratory of Genetics & Genomics of Rare Diseases, Istituto Giannina Gaslini
Classification: Uncertain significance for Dyskeratosis congenita, autosomal dominant 2. Last evaluated: 2020-05-21. Review status: no assertion criteria provided. Collection method: clinical testing. Allele origin: germline. Affected: yes. Observed: 1 variant allele. Not counted in ClinVar's aggregate classification.

NM_198253.3(TERT):c.1216G>A (p.Gly406Arg)

Gene: TERT (telomerase reverse transcriptase; minus strand). Cytogenetic location: 5p15.33.
Variant type: single nucleotide variant.
Coding change: c.1216G>A on transcript NM_198253.3 (MANE Select); coding-DNA position 1216, G replaced by A.
Protein change: p.Gly406Arg; replaces glycine 406 with arginine.
Molecular consequence: missense variant. On other transcripts: non-coding transcript variant (2).
Genome position (GRCh38, 1-based): chr5:1,293,670, C>T on the plus strand (G>A on the coding strand, the complement: TERT is on the minus strand). VCF-style: chr5-1293670-C-T. GRCh37 (hg19) VCF-style: chr5-1293785-C-T.
Other names: c.1216G>A, p.Gly406Arg (NM_001193376.3); short protein forms G406R.
Identifiers: ClinVar variation 973678 (VCV000973678.4), dbSNP rs866101734, ClinGen allele CA359086513.